The following is an entry in ClinVar:

ClinVar aggregate classification (germline): Likely benign (0 of 4 stars; one submission).

Conditions:
EPPK1-related disorder. Also called: EPPK1-related condition.

Allele frequency attached by ClinVar (database versions not stated): ExAC 0.00009.

Submission:

PreventionGenetics, part of Exact Sciences
Classification: Likely benign for EPPK1-related condition. Last evaluated: 2022-12-05. Review status: no assertion criteria provided. Collection method: clinical testing. Allele origin: germline.
Comment: This variant is classified as likely benign based on ACMG/AMP sequence variant interpretation guidelines (Richards et al. 2015 PMID: 25741868, with internal and published modifications).

NM_031308.4(EPPK1):c.4656G>A (p.Thr1552=)

Gene: EPPK1 (epiplakin 1; minus strand). Cytogenetic location: 8q24.3.
Variant type: single nucleotide variant.
Coding change: c.4656G>A on transcript NM_031308.4 (MANE Select); coding-DNA position 4656, G replaced by A.
Protein change: p.Thr1552=; no amino-acid change (threonine 1552 retained).
Molecular consequence: synonymous variant.
Genome position (GRCh38, 1-based): chr8:143,868,598, C>T on the plus strand (G>A on the coding strand, the complement: EPPK1 is on the minus strand). VCF-style: chr8-143868598-C-T. GRCh37 (hg19) VCF-style: chr8-144942766-C-T.
Identifiers: ClinVar variation 3052178 (VCV003052178.2), dbSNP rs999317576, ClinGen allele CA4922424.